The following is an entry in ClinVar:

NM_000372.5(TYR):c.736A>T (p.Ile246Phe)

Gene: TYR (tyrosinase; plus strand). Cytogenetic location: 11q14.3.
Variant type: single nucleotide variant.
Coding change: c.736A>T on transcript NM_000372.5 (MANE Select); coding-DNA position 736, A replaced by T.
Protein change: p.Ile246Phe; replaces isoleucine 246 with phenylalanine.
Molecular consequence: missense variant.
Genome position (GRCh38, 1-based): chr11:89,178,689, A>T. VCF-style: chr11-89178689-A-T. GRCh37 (hg19) VCF-style: chr11-88911857-A-T.
Other names: short protein forms I246F.
Identifiers: ClinVar variation 1694644 (VCV001694644.31), dbSNP rs2135242705, ClinGen allele CA382035247.
Genomic context (GRCh38, chr11:89,178,689, plus strand): 5'-ACAGGAGATGAAAACTTCACTATTCCATATTGGGACTGGCGGGATGCAGAAAAGTGTGAC[A>T]TTTGCACAGATGAGTACATGGGAGGTCAGCACCCCACAAATCCTAACTTACTCAGCCCAG-3'
Protein context (NP_000363.1, residues 236-256): WDWRDAEKCD[Ile246Phe]CTDEYMGGQH

ClinVar aggregate classification (germline): Uncertain significance (1 of 4 stars; one submission).

Submission:

CeGaT Center for Human Genetics Tuebingen
Classification: Uncertain significance. Last evaluated: 2022-04-01. Review status: criteria provided, single submitter. Criteria: CeGaT Center For Human Genetics Tuebingen Variant Classification Criteria Version 2. Collection method: clinical testing. Allele origin: germline. Affected: yes. Observed: 1 variant allele.
Comment: TYR: PM2, PP4